The following is an entry in ClinVar:

NM_001429.4(EP300):c.5571_5578del (p.Gly1860fs)

Gene: EP300 (E1A binding protein p300; plus strand). Cytogenetic location: 22q13.2.
Variant type: Deletion.
Coding change: c.5571_5578del on transcript NM_001429.4 (MANE Select); coding-DNA positions 5571 to 5578, 8 bases deleted (ACCAACTG; older notation c.5571_5578delACCAACTG).
Protein change: p.Gly1860fs; shifts the reading frame from glycine 1860.
Molecular consequence: frameshift variant.
Genome position (GRCh38, 1-based): chr22:41,177,282-41,177,289, ACCAACTG deleted. VCF-style (leftmost placement, unchanged base first): chr22-41177281-CACCAACTG-C. GRCh37 (hg19) VCF-style: chr22-41573285-CACCAACTG-C.
Other names: c.5493_5500del, p.Gly1834fs (NM_001362843.2); short protein forms G1860fs, G1834fs.
Identifiers: ClinVar variation 426320 (VCV000426320.2), dbSNP rs1085307564, ClinGen allele CA645294126.

ClinVar aggregate classification (germline): Likely pathogenic (1 of 4 stars; one submission).

Submission:

GeneDx
Classification: Likely pathogenic. Last evaluated: 2017-04-20. Review status: criteria provided, single submitter. Criteria: GeneDx Variant Classification (06012015). Collection method: clinical testing. Allele origin: germline. Affected: yes.
Comment: The c.5571_5578delACCAACTG variant in the EP300 gene has not been reported previously as a pathogenic variant nor as a benign variant, to our knowledge. The c.5571_5578delACCAACTG variant causes a frameshift starting with codon Glycine 1860, changes this amino acid to a Alanine residue, and creates a premature Stop codon at position 20 of the new reading frame, denoted p.Gly1860AlafsX20. This variant is predicted to cause loss of normal protein function through protein truncation. The c.5571_5578delACCAACTG variant is not observed in large population cohorts (Lek et al., 2016; 1000 Genomes Consortium et al., 2015; Exome Variant Server). We interpret c.5571_5578delACCAACTG as a likely pathogenic variant.